The following is an entry in ClinVar:

NM_000321.3(RB1):c.1352G>T (p.Arg451Leu)

Gene: RB1 (RB transcriptional corepressor 1; plus strand). Cytogenetic location: 13q14.2.
Variant type: single nucleotide variant.
Coding change: c.1352G>T on transcript NM_000321.3 (MANE Select); coding-DNA position 1352, G replaced by T.
Protein change: p.Arg451Leu; replaces arginine 451 with leucine.
Molecular consequence: missense variant.
Genome position (GRCh38, 1-based): chr13:48,379,613, G>T. VCF-style: chr13-48379613-G-T. GRCh37 (hg19) VCF-style: chr13-48953749-G-T.
Other names: c.1352G>T, p.Arg451Leu (NM_001407165.1, NM_001407166.1); short protein forms R451L.
Identifiers: ClinVar variation 4824137 (VCV004824137.1).
Genomic context (GRCh38, chr13:48,379,613, plus strand): 5'-TAAAATAGCAGGCTCTTATTTTTCTTTTTGTTTGTTTGTAGCGATACAAACTTGGAGTTC[G>T]CTTGTATTACCGAGTAATGGAATCCATGCTTAAATCAGTAAGTTAAAAACAATATAAAAA-3'
Protein context (NP_000312.2, residues 441-461): IGSQRYKLGV[Arg451Leu]LYYRVMESML

ClinVar aggregate classification (germline): Uncertain significance (1 of 4 stars; one submission).

Conditions:
Hereditary cancer-predisposing syndrome. Also called: Neoplastic Syndromes, Hereditary; Hereditary neoplastic syndrome; Tumor predisposition; Hereditary Cancer Syndrome. Identifiers: Orphanet 140162, MedGen C0027672, MeSH D009386, MONDO:0015356.

Submission:

Ambry Genetics
Classification: Uncertain significance for Hereditary cancer-predisposing syndrome. Last evaluated: 2026-02-06. Review status: criteria provided, single submitter. Criteria: Ambry Variant Classification Scheme 2023. Collection method: clinical testing. Allele origin: germline.
Comment: The p.R451L variant (also known as c.1352G>T), located in coding exon 14 of the RB1 gene, results from a G to T substitution at nucleotide position 1352. The arginine at codon 451 is replaced by leucine, an amino acid with dissimilar properties. This amino acid position is highly conserved in available vertebrate species. In addition, this alteration is predicted to be deleterious by in silico analysis. Based on the available evidence, the clinical significance of this variant remains unclear.